The following is an entry in ClinVar:

NM_015506.3(MMACHC):c.313_315del (p.Tyr105del)

Gene: MMACHC (metabolism of cobalamin associated C; plus strand). Cytogenetic location: 1p34.1.
Variant type: Deletion.
Coding change: c.313_315del on transcript NM_015506.3 (MANE Select); coding-DNA positions 313 to 315, 3 bases deleted (TAC; older notation c.313_315delTAC).
Protein change: p.Tyr105del; deletes tyrosine 105.
Molecular consequence: inframe deletion.
Genome position (GRCh38, 1-based): chr1:45,508,248-45,508,250, TAC deleted; deleting any 3 consecutive bases within chr1:45,508,246-45,508,250 gives the same sequence; the c. name uses the placement nearest the transcript's 3' end. VCF-style (leftmost placement, unchanged base first): chr1-45508245-GACT-G. GRCh37 (hg19) VCF-style: chr1-45973917-GACT-G.
Other names: c.142_144del, p.Tyr48del (NM_001330540.2); short protein forms Y105del, Y48del.
Identifiers: ClinVar variation 1377767 (VCV001377767.7), dbSNP rs1557607881, ClinGen allele CA522810651.
Genomic context (GRCh38, chr1:45,508,245, plus strand): 5'-TACCCTCTATTTTGTCCACTGTTCCAGAGCCTCCCAGAGCTGCAGATAGAAATCATTGCT[GACT>G]ACGAGGTGCACCCCAACCGACGCCCCAAGATCCTGGCCCAGACAGCAGCCCATGTAGCTG-3'

ClinVar aggregate classification (germline): Uncertain significance (1 of 4 stars; one submission).

Conditions:
Cobalamin C disease. Also called: Cobalamin-C methylmalonic acidemia and homocystinuria; Methylmalonic acidemia and homocystinuria cblC type; methylmalonic aciduria and homocystinuria type cblC; Methylmalonic aciduria with homocystinuria cblC type; Methylmalonic aciduria and homocystinuria, Vitamin B12-responsive; Vitamin B12 metabolic defect with combined deficiency of methylmalonyl-CoA mutase and homocysteine:methyltetrahydrofolate methyltransferase. Identifiers: Orphanet 26, Orphanet 79282, MedGen C1848561, MONDO:0010184, OMIM 277400.

Submission:

Labcorp Genetics (formerly Invitae), Labcorp
Classification: Uncertain significance for Cobalamin C disease. Last evaluated: 2022-02-10. Review status: criteria provided, single submitter. Criteria: Invitae Variant Classification Sherloc (09022015). Collection method: clinical testing. Allele origin: germline.
Comment: This variant, c.313_315del, results in the deletion of 1 amino acid(s) of the MMACHC protein (p.Tyr105del), but otherwise preserves the integrity of the reading frame. This variant is present in population databases (no rsID available, gnomAD 0.0009%). This variant has not been reported in the literature in individuals affected with MMACHC-related conditions. Experimental studies and prediction algorithms are not available or were not evaluated, and the functional significance of this variant is currently unknown. In summary, the available evidence is currently insufficient to determine the role of this variant in disease. Therefore, it has been classified as a Variant of Uncertain Significance.